The following is an entry in ClinVar:

ClinVar aggregate classification (germline): Likely benign (1 of 4 stars; one submission).

Allele frequency attached by ClinVar (database versions not stated): gnomAD 0.00319 and 0.00338; TOPMed 0.00410; 1000 Genomes Project 0.00479; 1000 Genomes Project 30x 0.00531.
gnomAD v4.1: 488 of 152,318 alleles (0.32%); highest among the groups gnomAD compares: African/African-American, 0.91%; 5 homozygotes.

Submission:

GeneDx
Classification: Likely benign. Last evaluated: 2018-06-16. Review status: criteria provided, single submitter. Criteria: GeneDx Variant Classification (06012015). Collection method: clinical testing. Allele origin: germline. Affected: yes.
Comment: This variant is considered likely benign or benign based on one or more of the following criteria: it is a conservative change, it occurs at a poorly conserved position in the protein, it is predicted to be benign by multiple in silico algorithms, and/or has population frequency not consistent with disease.

NM_001134831.2(AHI1):c.1780-277T>A

Gene: AHI1 (Abelson helper integration site 1; minus strand). Cytogenetic location: 6q23.3.
Variant type: single nucleotide variant.
Coding change: c.1780-277T>A on transcript NM_001134831.2 (MANE Select); 277 bases into the intron before coding-DNA position 1780, T replaced by A.
Molecular consequence: intron variant.
Genome position (GRCh38, 1-based): chr6:135,442,991, A>T on the plus strand (T>A on the coding strand, the complement: AHI1 is on the minus strand). VCF-style: chr6-135442991-A-T. GRCh37 (hg19) VCF-style: chr6-135764129-A-T.
Other names: c.1780-277T>A (NM_001134830.2, NM_001350503.2, NM_017651.5 and 2 more transcripts).
Identifiers: ClinVar variation 673520 (VCV000673520.1), dbSNP rs187137908, ClinGen allele CA148129493.